The following is an entry in ClinVar:

ClinVar aggregate classification (germline): Uncertain significance (1 of 4 stars; one submission).

Conditions:
Hereditary cancer-predisposing syndrome. Also called: Neoplastic Syndromes, Hereditary; Tumor predisposition; Hereditary Cancer Syndrome; Hereditary neoplastic syndrome. Identifiers: Orphanet 140162, MedGen C0027672, MeSH D009386, MONDO:0015356.

Submission:

Ambry Genetics
Classification: Uncertain significance for Hereditary cancer-predisposing syndrome. Last evaluated: 2020-05-12. Review status: criteria provided, single submitter. Criteria: Ambry Variant Classification Scheme 2023. Collection method: clinical testing. Allele origin: germline.
Comment: The p.R26S variant (also known as c.78G>C), located in coding exon 2 of the PALB2 gene, results from a G to C substitution at nucleotide position 78. The arginine at codon 26 is replaced by serine, an amino acid with dissimilar properties. This amino acid position is not well conserved in available vertebrate species. In addition, this alteration is predicted to be tolerated by in silico analysis. Since supporting evidence is limited at this time, the clinical significance of this alteration remains unclear.

NM_024675.4(PALB2):c.78G>C (p.Arg26Ser)

Gene: PALB2 (partner and localizer of BRCA2; minus strand). Cytogenetic location: 16p12.2.
Variant type: single nucleotide variant.
Coding change: c.78G>C on transcript NM_024675.4 (MANE Select); coding-DNA position 78, G replaced by C.
Protein change: p.Arg26Ser; replaces arginine 26 with serine.
Molecular consequence: missense variant.
Genome position (GRCh38, 1-based): chr16:23,638,100, C>G on the plus strand (G>C on the coding strand, the complement: PALB2 is on the minus strand). VCF-style: chr16-23638100-C-G. GRCh37 (hg19) VCF-style: chr16-23649421-C-G.
Other names: c.78G>C, p.Arg26Ser (NM_001407297.1, NM_001407298.1, NM_001407299.1 and 3 more transcripts); c.-808G>C (NM_001407304.1, NM_001407305.1, NM_001407306.1 and 5 more transcripts); short protein forms R26S.
Identifiers: ClinVar variation 1761132 (VCV001761132.2), dbSNP rs45572434, ClinGen allele CA395139769.